The following is an entry in ClinVar:

ClinVar aggregate classification (germline): Benign. Review status: criteria provided, multiple submitters, no conflicts (2 of 4 stars). 3 submissions from 3 submitters: Benign (3). Last evaluated 2024-07-15.

Allele frequency attached by ClinVar (database versions not stated): 1000 Genomes Project 30x 0.98579; 1000 Genomes Project 0.98662; gnomAD 0.98885 and 0.98969; TOPMed 0.98896; gnomAD exomes 0.99894.
gnomAD v4.1: 1,574,038 of 1,577,172 alleles (100%); highest among the groups gnomAD compares: East Asian, 100%; 785,500 homozygotes.

Submissions (3):

Unidad de Genómica Garrahan, Hospital de Pediatría Garrahan
Classification: Benign. Last evaluated: 2024-07-15. Review status: criteria provided, single submitter. Criteria: ACMG Guidelines, 2015. Collection method: clinical testing. Allele origin: germline. Affected: no. Observed: 84 variant alleles.
Comment: This variant is classified as Benign based on local population frequency. This variant was detected in 90% of patients studied in a panel designed for Epileptic and Developmental Encephalopathy and Progressive Myoclonus Epilepsy. Number of patients: 84. Only high quality variants are reported.

GeneDx
Classification: Benign. Last evaluated: 2018-06-25. Review status: criteria provided, single submitter. Criteria: GeneDx Variant Classification Process June 2021. Collection method: clinical testing. Allele origin: germline. Affected: yes.

Breakthrough Genomics
Classification: Benign. Review status: criteria provided, single submitter. Criteria: ACMG Guidelines, 2015. Collection method: not provided. Allele origin: germline. Inheritance: Autosomal dominant inheritance. Affected: yes.

NM_001040142.2(SCN2A):c.3972+65T>C

Gene: SCN2A (sodium voltage-gated channel alpha subunit 2; plus strand). Cytogenetic location: 2q24.3.
Variant type: single nucleotide variant.
Coding change: c.3972+65T>C on transcript NM_001040142.2 (MANE Select); 65 bases into the intron after coding-DNA position 3972, T replaced by C.
Molecular consequence: intron variant.
Genome position (GRCh38, 1-based): chr2:165,373,412, T>C. VCF-style: chr2-165373412-T-C. GRCh37 (hg19) VCF-style: chr2-166229922-T-C.
Other names: c.3972+65T>C (NM_001040143.2, NM_001371246.1, NM_001371247.1 and 1 more transcripts).
Identifiers: ClinVar variation 1247549 (VCV001247549.5), dbSNP rs6432821, ClinGen allele CA59740959.